The following is an entry in ClinVar:

NM_178161.3(PTF1A):c.705del (p.Pro236fs)

Gene: PTF1A (pancreas associated transcription factor 1a; plus strand). Cytogenetic location: 10p12.2.
Variant type: Deletion.
Coding change: c.705del on transcript NM_178161.3 (MANE Select); coding-DNA position 705, one base deleted (G; older notation c.705delG).
Protein change: p.Pro236fs; shifts the reading frame from proline 236.
Molecular consequence: frameshift variant.
Genome position (GRCh38, 1-based): chr10:23,193,235, G deleted; the last of 6 consecutive G bases (chr10:23,193,230-23,193,235); deleting any one gives the same sequence. VCF-style (leftmost placement, unchanged base first): chr10-23193229-CG-C. GRCh37 (hg19) VCF-style: chr10-23482158-CG-C.
Other names: short protein forms P236fs.
Identifiers: ClinVar variation 265703 (VCV000265703.2), dbSNP rs886039746, ClinGen allele CA10588478.

ClinVar aggregate classification (germline): Pathogenic (1 of 4 stars; one submission).

Submission:

GeneDx
Classification: Pathogenic. Last evaluated: 2016-08-26. Review status: criteria provided, single submitter. Criteria: GeneDx Variant Classification (06012015). Collection method: clinical testing. Allele origin: germline. Affected: yes.
Comment: The c.705delG pathogenic variant in the PTF1A gene has not been reported previously as apathogenic variant nor as a benign variant, to our knowledge. The c.705delG variant causes aframeshift starting with codon Proline 236, changes this amino acid to an Arginine residue, and createsa premature Stop codon at position 41 of the new reading frame, denoted p.Pro236ArgfsX41. Thisvariant is predicted to cause loss of normal protein function through protein truncation. Thec.705delG variant was not observed in approximately 2360 individuals of European and AfricanAmerican ancestry in the NHLBI Exome Sequencing Project, indicating it is not a common benignvariant in these populations. We interpret c.705delG as a pathogenic variant.